The following is an entry in ClinVar:

NM_001737.5(C9):c.326C>T (p.Thr109Ile)

Gene: C9 (complement C9; minus strand). Cytogenetic location: 5p13.1.
Variant type: single nucleotide variant.
Coding change: c.326C>T on transcript NM_001737.5 (MANE Select); coding-DNA position 326, C replaced by T.
Protein change: p.Thr109Ile; replaces threonine 109 with isoleucine.
Molecular consequence: missense variant.
Genome position (GRCh38, 1-based): chr5:39,341,558, G>A on the plus strand (C>T on the coding strand, the complement: C9 is on the minus strand). VCF-style: chr5-39341558-G-A. GRCh37 (hg19) VCF-style: chr5-39341660-G-A.
Other names: short protein forms T109I.
Identifiers: ClinVar variation 3262561 (VCV003262561.3).
Genomic context (GRCh38, chr5:39,341,558, plus strand): 5'-TTTTCATTCAGGAAGGCACACAGAAAGCCACAATGAGCAATTCAAGCACAAAGATTACCT[G>A]TACTGCATTGAAAGTCATTTCCGCAGTCATCCTCAGCATCCTCACAGGGCTCTGTGGGCA-3'
Protein context (NP_001728.1, residues 99-119): DDCGNDFQCS[Thr109Ile]GRCIKMRLRC

ClinVar aggregate classification (germline): Uncertain significance. Review status: criteria provided, multiple submitters, no conflicts (2 of 4 stars). 2 submissions from 2 submitters: Uncertain significance (2). Last evaluated 2026-01-12.

Conditions:
Inborn genetic diseases. Identifiers: MedGen C0950123, MeSH D030342.

gnomAD v4.1: 32 of 1,613,592 alleles (0.002%); highest among the groups gnomAD compares: African/African-American, 0.027%; no homozygotes.

Submissions (2):

Labcorp Genetics (formerly Invitae), Labcorp
Classification: Uncertain significance. Last evaluated: 2026-01-12. Review status: criteria provided, single submitter. Criteria: Invitae Variant Classification Sherloc (09022015). Collection method: clinical testing. Allele origin: germline.
Comment: This sequence change replaces threonine, which is neutral and polar, with isoleucine, which is neutral and non-polar, at codon 109 of the C9 protein (p.Thr109Ile). This variant is present in population databases (rs149836549, gnomAD 0.03%). This variant has not been reported in the literature in individuals affected with C9-related conditions. ClinVar contains an entry for this variant (Variation ID: 3262561). An algorithm developed to predict the effect of missense changes on protein structure and function (PolyPhen-2) suggests that this variant is likely to be disruptive. In summary, the available evidence is currently insufficient to determine the role of this variant in disease. Therefore, it has been classified as a Variant of Uncertain Significance.

Ambry Genetics
Classification: Uncertain significance for Inborn genetic diseases. Last evaluated: 2024-05-20. Review status: criteria provided, single submitter. Criteria: Ambry Variant Classification Scheme 2023. Collection method: clinical testing. Allele origin: germline.